The following is an entry in ClinVar:

ClinVar aggregate classification (germline): Benign/Likely benign. Review status: criteria provided, multiple submitters, no conflicts (2 of 4 stars). 2 submissions from 2 submitters: Benign (1); Likely benign (1). Last evaluated 2024-08-28.

Conditions:
Hereditary cancer-predisposing syndrome. Also called: Hereditary Cancer Syndrome; Hereditary neoplastic syndrome; Neoplastic Syndromes, Hereditary; Tumor predisposition. Identifiers: Orphanet 140162, MedGen C0027672, MeSH D009386, MONDO:0015356.
Familial cancer of breast. Also called: BREAST CANCER, FAMILIAL; Hereditary breast cancer; hereditary breast carcinoma. Identifiers: Orphanet 227535, MedGen C0346153, MONDO:0016419, OMIM 114480. Disease mechanism: loss of function.

Submissions (2):

Myriad Genetics, Inc.
Classification: Benign for Familial cancer of breast. Last evaluated: 2024-08-28. Review status: criteria provided, single submitter. Criteria: Myriad Autosomal Dominant, Autosomal Recessive and X-Linked Classification Criteria (2023). Collection method: clinical testing. Allele origin: unknown.
Comment: This variant is considered benign. This variant is a silent/synonymous amino acid change and it is not expected to impact splicing.

Sema4
Classification: Likely benign for Hereditary cancer-predisposing syndrome. Last evaluated: 2022-02-19. Review status: criteria provided, single submitter. Criteria: Sema4 Curation Guidelines. Collection method: curation. Allele origin: germline.

NM_032043.3(BRIP1):c.1650T>A (p.Ile550=)

Gene: BRIP1 (BRCA1 interacting DNA helicase 1; minus strand). Cytogenetic location: 17q23.2.
Variant type: single nucleotide variant.
Coding change: c.1650T>A on transcript NM_032043.3 (MANE Select); coding-DNA position 1650, T replaced by A.
Protein change: p.Ile550=; no amino-acid change (isoleucine 550 retained).
Molecular consequence: synonymous variant.
Genome position (GRCh38, 1-based): chr17:61,780,984, A>T on the plus strand (T>A on the coding strand, the complement: BRIP1 is on the minus strand). VCF-style: chr17-61780984-A-T. GRCh37 (hg19) VCF-style: chr17-59858345-A-T.
Identifiers: ClinVar variation 1691980 (VCV001691980.2), dbSNP rs587782254, ClinGen allele CA501150585.